The following is an entry in ClinVar:

ClinVar aggregate classification (germline): Conflicting classifications of pathogenicity. Review status: criteria provided, conflicting classifications (1 of 4 stars). 6 submissions from 6 submitters: Uncertain significance (1); Likely benign (3). 2 of the submissions do not count toward it. Last evaluated 2026-09-01.

Conditions:
KMT2D-related disorder. Also called: KMT2D-Related Disorders.
Kabuki syndrome. Also called: NIIKAWA-KUROKI SYNDROME; Kabuki make-up syndrome. Identifiers: Orphanet 2322, MedGen C0796004, MONDO:0016512.

Allele frequency attached by ClinVar (database versions not stated): gnomAD 0.00003 and 0.00004; TOPMed 0.00006; ExAC 0.00007.
gnomAD v4.1: 65 of 1,613,768 alleles (0.004%); highest among the groups gnomAD compares: Middle Eastern, 0.033%; no homozygotes.

Submissions (6):

CeGaT Center for Human Genetics Tuebingen
Classification: Likely benign. Last evaluated: 2026-09-01. Review status: criteria provided, single submitter. Criteria: CeGaT Center For Human Genetics Tuebingen Variant Classification Criteria Version 2. Collection method: clinical testing. Allele origin: germline. Affected: yes. Observed: 1 variant allele.
Comment: KMT2D: BP4

Labcorp Genetics (formerly Invitae), Labcorp
Classification: Likely benign for Kabuki syndrome. Last evaluated: 2025-12-03. Review status: criteria provided, single submitter. Criteria: Invitae Variant Classification Sherloc (09022015). Collection method: clinical testing. Allele origin: germline.

Blueprint Genetics
Classification: Likely benign. Last evaluated: 2024-09-16. Review status: criteria provided, single submitter. Criteria: ACMG Guidelines, 2015. Collection method: clinical testing. Allele origin: germline.

Eurofins Ntd Llc (ga)
Classification: Uncertain significance. Last evaluated: 2015-07-21. Review status: criteria provided, single submitter. Criteria: EGL Classification Definitions 2015. Collection method: clinical testing. Allele origin: germline. Observed: 1 variant allele, 1 heterozygote.

PreventionGenetics, part of Exact Sciences
Classification: Likely benign for KMT2D-related condition. Last evaluated: 2023-02-13. Review status: no assertion criteria provided. Collection method: clinical testing. Allele origin: germline. Not counted in ClinVar's aggregate classification.
Comment: This variant is classified as likely benign based on ACMG/AMP sequence variant interpretation guidelines (Richards et al. 2015 PMID: 25741868, with internal and published modifications).

Genetic Services Laboratory, University of Chicago
Classification: Likely benign. Last evaluated: 2022-12-05. Review status: no assertion criteria provided. Collection method: clinical testing. Allele origin: germline. Affected: no. Not counted in ClinVar's aggregate classification.

NM_003482.4(KMT2D):c.12039A>G (p.Gly4013=)

Gene: KMT2D (lysine methyltransferase 2D; minus strand). Cytogenetic location: 12q13.12.
Variant type: single nucleotide variant.
Coding change: c.12039A>G on transcript NM_003482.4 (MANE Select); coding-DNA position 12039, A replaced by G.
Protein change: p.Gly4013=; no amino-acid change (glycine 4013 retained).
Molecular consequence: synonymous variant.
Genome position (GRCh38, 1-based): chr12:49,032,666, T>C on the plus strand (A>G on the coding strand, the complement: KMT2D is on the minus strand). VCF-style: chr12-49032666-T-C. GRCh37 (hg19) VCF-style: chr12-49426449-T-C.
Other names: c.12039A>G (NM_003482.3).
Identifiers: ClinVar variation 281876 (VCV000281876.18), dbSNP rs567323882, ClinGen allele CA6546259.